The following is an entry in ClinVar:

ClinVar aggregate classification (germline): Uncertain significance (1 of 4 stars; one submission).

Conditions:
Distal hereditary motor neuropathy type 2. Identifiers: Orphanet 139525, MedGen C3711384, MeSH C580044, MONDO:0015352.

Allele frequency attached by ClinVar (database versions not stated): gnomAD 0.00001; TOPMed 0.00001; ExAC 0.00002; gnomAD exomes 0.00002; ESP Exome Variant Server 0.00008.
gnomAD v4.1: 31 of 1,612,494 alleles (0.0019%); highest among the groups gnomAD compares: East Asian, 0.0045%; no homozygotes.

Submission:

Labcorp Genetics (formerly Invitae), Labcorp
Classification: Uncertain significance for Distal hereditary motor neuropathy type 2. Last evaluated: 2022-10-31. Review status: criteria provided, single submitter. Criteria: Invitae Variant Classification Sherloc (09022015). Collection method: clinical testing. Allele origin: germline.
Comment: Advanced modeling of protein sequence and biophysical properties (such as structural, functional, and spatial information, amino acid conservation, physicochemical variation, residue mobility, and thermodynamic stability) performed at Invitae indicates that this missense variant is not expected to disrupt FBXO38 protein function. This variant has not been reported in the literature in individuals affected with FBXO38-related conditions. This variant is present in population databases (rs149020291, gnomAD 0.006%). This sequence change replaces isoleucine, which is neutral and non-polar, with valine, which is neutral and non-polar, at codon 298 of the FBXO38 protein (p.Ile298Val). In summary, the available evidence is currently insufficient to determine the role of this variant in disease. Therefore, it has been classified as a Variant of Uncertain Significance.

NM_205836.3(FBXO38):c.892A>G (p.Ile298Val)

Gene: FBXO38 (F-box protein 38; plus strand). Cytogenetic location: 5q32.
Variant type: single nucleotide variant.
Coding change: c.892A>G on transcript NM_205836.3 (MANE Select); coding-DNA position 892, A replaced by G.
Protein change: p.Ile298Val; replaces isoleucine 298 with valine.
Molecular consequence: missense variant.
Genome position (GRCh38, 1-based): chr5:148,409,147, A>G. VCF-style: chr5-148409147-A-G. GRCh37 (hg19) VCF-style: chr5-147788710-A-G.
Other names: c.892A>G, p.Ile298Val (NM_001271723.2, NM_030793.5); short protein forms I298V.
Identifiers: ClinVar variation 1948210 (VCV001948210.5), dbSNP rs149020291, ClinGen allele CA3497147.
Genomic context (GRCh38, chr5:148,409,147, plus strand): 5'-CTATGGTCAAACACTTGTTTTTGTTCCTCGTCTTTAGGTGGTTTTAGAAATTTGCACACT[A>G]TTGTTCTGGGAGCTTGCAAAAATGCTCTTGAAGTAGATCTTGGTTACCTCATCATTACTG-3'
Protein context (NP_995308.1, residues 288-308): RSGGFRNLHT[Ile298Val]VLGACKNALE